The following is an entry in ClinVar:

ClinVar aggregate classification (germline): Uncertain significance (1 of 4 stars; one submission).

Submission:

Labcorp Genetics (formerly Invitae), Labcorp
Classification: Uncertain significance. Last evaluated: 2022-03-13. Review status: criteria provided, single submitter. Criteria: Invitae Variant Classification Sherloc (09022015). Collection method: clinical testing. Allele origin: germline.
Comment: This sequence change replaces isoleucine, which is neutral and non-polar, with methionine, which is neutral and non-polar, at codon 590 of the MSH3 protein (p.Ile590Met). In summary, the available evidence is currently insufficient to determine the role of this variant in disease. Therefore, it has been classified as a Variant of Uncertain Significance. Algorithms developed to predict the effect of missense changes on protein structure and function are either unavailable or do not agree on the potential impact of this missense change (SIFT: "Deleterious"; PolyPhen-2: "Probably Damaging"; Align-GVGD: "Class C0"). This variant has not been reported in the literature in individuals affected with MSH3-related conditions. This variant is not present in population databases (gnomAD no frequency).

NM_002439.5(MSH3):c.1770A>G (p.Ile590Met)

Gene: MSH3 (mutS homolog 3; plus strand). Cytogenetic location: 5q14.1.
Variant type: single nucleotide variant.
Coding change: c.1770A>G on transcript NM_002439.5 (MANE Select); coding-DNA position 1770, A replaced by G.
Protein change: p.Ile590Met; replaces isoleucine 590 with methionine.
Molecular consequence: missense variant.
Genome position (GRCh38, 1-based): chr5:80,761,552, A>G. VCF-style: chr5-80761552-A-G. GRCh37 (hg19) VCF-style: chr5-80057371-A-G.
Other names: short protein forms I590M.
Identifiers: ClinVar variation 2110992 (VCV002110992.4), dbSNP rs2546769976, ClinGen allele CA360276481.